The following is an entry in ClinVar:

ClinVar aggregate classification (germline): Uncertain significance. Review status: criteria provided, multiple submitters, no conflicts (2 of 4 stars). 2 submissions from 2 submitters: Uncertain significance (2). Last evaluated 2026-05-05.

Conditions:
PKD1-related disorder. Also called: PKD1-related condition.
Polycystic kidney disease, adult type (PKD1). Also called: Polycystic Kidney Disease 1, Autosomal Dominant; Polycystic kidney disease 1; Polycystic kidney disease 1, severe; Polycystic Kidney, Autosomal Dominant; POLYCYSTIC KIDNEY DISEASE, ADULT, TYPE I; POLYCYSTIC KIDNEY DISEASE 1 WITH OR WITHOUT POLYCYSTIC LIVER DISEASE. Identifiers: MedGen C3149841, MONDO:0008263, OMIM 173900.

gnomAD v4.1: 41 of 1,607,004 alleles (0.0026%); highest among the groups gnomAD compares: Non-Finnish European, 0.0033%; no homozygotes.

Submissions (2):

PreventionGenetics, part of Exact Sciences
Classification: Uncertain significance for PKD1-related condition. Last evaluated: 2026-05-05. Review status: criteria provided, single submitter. Criteria: ACMG Guidelines, 2015. Collection method: clinical testing. Allele origin: germline.
Comment: The PKD1 c.3068A>T variant is predicted to result in the amino acid substitution p.Gln1023Leu. To our knowledge, this variant has not been reported in the literature. This variant is reported in 0.0036% of alleles in individuals of European (Non-Finnish) descent in gnomAD. At this time, the clinical significance of this variant is uncertain due to the absence of conclusive functional and genetic evidence.

Fulgent Genetics
Classification: Uncertain significance for Polycystic kidney disease, adult type. Last evaluated: 2024-03-22. Review status: criteria provided, single submitter. Criteria: ACMG Guidelines, 2015. Collection method: clinical testing. Allele origin: germline.

NM_001009944.3(PKD1):c.3068A>T (p.Gln1023Leu)

Gene: PKD1 (polycystin 1, transient receptor potential channel interacting; minus strand). Cytogenetic location: 16p13.3.
Variant type: single nucleotide variant.
Coding change: c.3068A>T on transcript NM_001009944.3 (MANE Select); coding-DNA position 3068, A replaced by T.
Protein change: p.Gln1023Leu; replaces glutamine 1023 with leucine.
Molecular consequence: missense variant.
Genome position (GRCh38, 1-based): chr16:2,112,881, T>A on the plus strand (A>T on the coding strand, the complement: PKD1 is on the minus strand). VCF-style: chr16-2112881-T-A. GRCh37 (hg19) VCF-style: chr16-2162882-T-A.
Other names: c.3068A>T, p.Gln1023Leu (NM_000296.4); short protein forms Q1023L.
Identifiers: ClinVar variation 3579637 (VCV003579637.2).